The following is an entry in ClinVar:

NM_006206.6(PDGFRA):c.1402_1404del (p.Asn468del)

Gene: PDGFRA (platelet derived growth factor receptor alpha; plus strand). Cytogenetic location: 4q12.
Variant type: Deletion.
Coding change: c.1402_1404del on transcript NM_006206.6 (MANE Select); coding-DNA positions 1402 to 1404, 3 bases deleted (AAT; older notation c.1402_1404delAAT).
Protein change: p.Asn468del; deletes asparagine 468.
Molecular consequence: inframe deletion.
Genome position (GRCh38, 1-based): chr4:54,273,574-54,273,576, AAT deleted. VCF-style (leftmost placement, unchanged base first): chr4-54273573-CAAT-C. GRCh37 (hg19) VCF-style: chr4-55139740-CAAT-C.
Other names: c.1402_1404del, p.Asn468del (NM_001347827.2, NM_001347829.2); c.1477_1479del, p.Asn493del (NM_001347828.2); c.1441_1443del, p.Asn481del (NM_001347830.2); short protein forms N481del, N493del, N468del.
Identifiers: ClinVar variation 3022921 (VCV003022921.3), dbSNP rs2475487693, ClinGen allele CA2670625754.
Genomic context (GRCh38, chr4:54,273,573, plus strand): 5'-TACTTAGGCCCTTTTTCTCTCTAGATGTAATAATGAAACTTCCTGGACTATTTTGGCCAA[CAAT>C]GTCTCAAACATCATCACGGAGATCCACTCCCGAGACAGGAGTACCGTGGAGGGCCGTGTG-3'

ClinVar aggregate classification (germline): Uncertain significance (1 of 4 stars; one submission).

Conditions:
Gastrointestinal stromal tumor. Also called: Gastrointestinal stromal tumor, somatic; Gastrointestinal stroma tumor. Identifiers: Orphanet 44890, MedGen C0238198, MeSH D046152, MONDO:0011719, OMIM 606764, HP:0100723.

Allele frequency attached by ClinVar (database versions not stated): gnomAD exomes below 0.00001.

Submission:

Labcorp Genetics (formerly Invitae), Labcorp
Classification: Uncertain significance for Gastrointestinal stromal tumor. Last evaluated: 2024-01-15. Review status: criteria provided, single submitter. Criteria: Invitae Variant Classification Sherloc (09022015). Collection method: clinical testing. Allele origin: germline.
Comment: This variant, c.1402_1404del, results in the deletion of 1 amino acid(s) of the PDGFRA protein (p.Asn468del), but otherwise preserves the integrity of the reading frame. This variant is not present in population databases (gnomAD no frequency). This variant has not been reported in the literature in individuals affected with PDGFRA-related conditions. Experimental studies and prediction algorithms are not available or were not evaluated, and the functional significance of this variant is currently unknown. In summary, the available evidence is currently insufficient to determine the role of this variant in disease. Therefore, it has been classified as a Variant of Uncertain Significance.